The following is an entry in ClinVar:

ClinVar aggregate classification (germline): Uncertain significance (1 of 4 stars; one submission).

Conditions:
Juvenile polyposis syndrome (JPS). Identifiers: Orphanet 2929, MedGen C0345893, MONDO:0017380, OMIM 174900.

Submission:

Labcorp Genetics (formerly Invitae), Labcorp
Classification: Uncertain significance for Juvenile polyposis syndrome. Last evaluated: 2022-04-01. Review status: criteria provided, single submitter. Criteria: Invitae Variant Classification Sherloc (09022015). Collection method: clinical testing. Allele origin: germline.
Comment: In summary, the available evidence is currently insufficient to determine the role of this variant in disease. Therefore, it has been classified as a Variant of Uncertain Significance. Advanced modeling of protein sequence and biophysical properties (such as structural, functional, and spatial information, amino acid conservation, physicochemical variation, residue mobility, and thermodynamic stability) performed at Invitae indicates that this missense variant is expected to disrupt SMAD4 protein function. This variant has not been reported in the literature in individuals affected with SMAD4-related conditions. This variant is not present in population databases (gnomAD no frequency). This sequence change replaces tyrosine, which is neutral and polar, with asparagine, which is neutral and polar, at codon 513 of the SMAD4 protein (p.Tyr513Asn).

NM_005359.6(SMAD4):c.1537T>A (p.Tyr513Asn)

Gene: SMAD4 (SMAD family member 4; plus strand). Cytogenetic location: 18q21.2.
Variant type: single nucleotide variant.
Coding change: c.1537T>A on transcript NM_005359.6 (MANE Select); coding-DNA position 1537, T replaced by A.
Protein change: p.Tyr513Asn; replaces tyrosine 513 with asparagine.
Molecular consequence: missense variant.
Genome position (GRCh38, 1-based): chr18:51,078,345, T>A. VCF-style: chr18-51078345-T-A. GRCh37 (hg19) VCF-style: chr18-48604715-T-A.
Other names: c.1537T>A, p.Tyr513Asn (NM_001407041.1, NM_001407042.1); short protein forms Y513N.
Identifiers: ClinVar variation 2120313 (VCV002120313.4), dbSNP rs2144478795, ClinGen allele CA402465980.